The following is an entry in ClinVar:

ClinVar aggregate classification (germline): Uncertain significance (1 of 4 stars; one submission).

Submission:

Labcorp Genetics (formerly Invitae), Labcorp
Classification: Uncertain significance. Last evaluated: 2024-07-15. Review status: criteria provided, single submitter. Criteria: Invitae Variant Classification Sherloc (09022015). Collection method: clinical testing. Allele origin: germline.
Comment: This sequence change replaces glutamic acid, which is acidic and polar, with alanine, which is neutral and non-polar, at codon 1055 of the KMT2A protein (p.Glu1055Ala). This variant is not present in population databases (gnomAD no frequency). This variant has not been reported in the literature in individuals affected with KMT2A-related conditions. ClinVar contains an entry for this variant (Variation ID: 2121698). Advanced modeling of protein sequence and biophysical properties (such as structural, functional, and spatial information, amino acid conservation, physicochemical variation, residue mobility, and thermodynamic stability) has been performed at Invitae for this missense variant, however the output from this modeling did not meet the statistical confidence thresholds required to predict the impact of this variant on KMT2A protein function. In summary, the available evidence is currently insufficient to determine the role of this variant in disease. Therefore, it has been classified as a Variant of Uncertain Significance.

NM_001197104.2(KMT2A):c.3164A>C (p.Glu1055Ala)

Gene: KMT2A (lysine methyltransferase 2A; plus strand). Cytogenetic location: 11q23.3.
Variant type: single nucleotide variant.
Coding change: c.3164A>C on transcript NM_001197104.2 (MANE Select); coding-DNA position 3164, A replaced by C.
Protein change: p.Glu1055Ala; replaces glutamic acid 1055 with alanine.
Molecular consequence: missense variant.
Genome position (GRCh38, 1-based): chr11:118,476,812, A>C. VCF-style: chr11-118476812-A-C. GRCh37 (hg19) VCF-style: chr11-118347527-A-C.
Other names: c.3263A>C, p.Glu1088Ala (NM_001412597.1); c.3164A>C, p.Glu1055Ala (NM_005933.4); short protein forms E1055A, E1088A.
Identifiers: ClinVar variation 2121698 (VCV002121698.4), dbSNP rs2496833193, ClinGen allele CA382823537.